The following is an entry in ClinVar:

NM_000057.4(BLM):c.1075A>C (p.Thr359Pro)

Gene: BLM (BLM RecQ like helicase; plus strand). Cytogenetic location: 15q26.1.
Variant type: single nucleotide variant.
Coding change: c.1075A>C on transcript NM_000057.4 (MANE Select); coding-DNA position 1075, A replaced by C.
Protein change: p.Thr359Pro; replaces threonine 359 with proline.
Molecular consequence: missense variant. On other transcripts: 5 prime UTR variant (1).
Genome position (GRCh38, 1-based): chr15:90,754,926, A>C. VCF-style: chr15-90754926-A-C. GRCh37 (hg19) VCF-style: chr15-91298156-A-C.
Other names: c.1075A>C, p.Thr359Pro (NM_001287246.2, NM_001287247.2); c.-217A>C (NM_001287248.2); c.1075A>C (NM_000057.2); short protein forms T359P.
Identifiers: ClinVar variation 929221 (VCV000929221.9), dbSNP rs1332024999, ClinGen allele CA393842237.
Genomic context (GRCh38, chr15:90,754,926, plus strand): 5'-AAAGATCTTTTGTCAAAACCTGAGAAAATGAGTATGCAGGAGCTGAATCCAGAAACCAGC[A>C]CAGACTGTGACGGTACAAGCAATATTTTAGACATACCATGTATTTCAACTACTTACTTTT-3'
Protein context (NP_000048.1, residues 349-369): SMQELNPETS[Thr359Pro]DCDARQISLQ

ClinVar aggregate classification (germline): Uncertain significance. Review status: criteria provided, multiple submitters, no conflicts (2 of 4 stars). 4 submissions from 4 submitters: Uncertain significance (3). 1 of the submissions does not count toward it. Last evaluated 2024-09-16.

Conditions:
Hereditary cancer-predisposing syndrome. Also called: Neoplastic Syndromes, Hereditary; Hereditary Cancer Syndrome; Tumor predisposition; Hereditary neoplastic syndrome. Identifiers: Orphanet 140162, MedGen C0027672, MeSH D009386, MONDO:0015356.
Bloom syndrome (BLM). Also called: Bloom-Torre-Machacek syndrome. Identifiers: Orphanet 125, MedGen C0005859, MONDO:0008876, OMIM 210900.

Allele frequency attached by ClinVar (database versions not stated): gnomAD exomes below 0.00001.
gnomAD v4.1: 2 of 1,613,834 alleles (0.00012%); highest among the groups gnomAD compares: Admixed American, 0.0033%; no homozygotes.

Submissions (4):

Ambry Genetics
Classification: Uncertain significance for Hereditary cancer-predisposing syndrome. Last evaluated: 2024-09-16. Review status: criteria provided, single submitter. Criteria: Ambry Variant Classification Scheme 2023. Collection method: clinical testing. Allele origin: germline.
Comment: The p.T359P variant (also known as c.1075A>C), located in coding exon 4 of the BLM gene, results from an A to C substitution at nucleotide position 1075. The threonine at codon 359 is replaced by proline, an amino acid with highly similar properties. This amino acid position is conserved. In addition, this alteration is predicted to be tolerated by in silico analysis. Since supporting evidence is limited at this time, the clinical significance of this alteration remains unclear.

Labcorp Genetics (formerly Invitae), Labcorp
Classification: Uncertain significance for Bloom syndrome. Last evaluated: 2023-08-28. Review status: criteria provided, single submitter. Criteria: Invitae Variant Classification Sherloc (09022015). Collection method: clinical testing. Allele origin: germline.
Comment: This sequence change replaces threonine, which is neutral and polar, with proline, which is neutral and non-polar, at codon 359 of the BLM protein (p.Thr359Pro). This variant is present in population databases (no rsID available, gnomAD 0.1%). This variant has not been reported in the literature in individuals affected with BLM-related conditions. ClinVar contains an entry for this variant (Variation ID: 929221). An algorithm developed to predict the effect of missense changes on protein structure and function (PolyPhen-2) suggests that this variant is likely to be disruptive. In summary, the available evidence is currently insufficient to determine the role of this variant in disease. Therefore, it has been classified as a Variant of Uncertain Significance.

Women's Health and Genetics/Laboratory Corporation of America, LabCorp
Classification: Uncertain significance. Last evaluated: 2019-09-06. Review status: criteria provided, single submitter. Criteria: LabCorp Variant Classification Summary - May 2015. Collection method: clinical testing. Allele origin: germline.
Comment: Variant summary: BLM c.1075A>C (p.Thr359Pro) results in a non-conservative amino acid change located in the N-terminal domain (IPR032437) of the encoded protein sequence. Four of five in-silico tools predict a benign effect of the variant on protein function. The variant was absent in 250686 control chromosomes. The available data on variant occurrences in the general population are insufficient to allow any conclusion about variant significance. To our knowledge, no occurrence of c.1075A>C in individuals affected with Bloom Syndrome and no experimental evidence demonstrating its impact on protein function have been reported. No clinical diagnostic laboratories have submitted clinical-significance assessments for this variant to ClinVar after 2014. Based on the evidence outlined above, the variant was classified as uncertain significance.

Natera, Inc.
Classification: Uncertain significance for Bloom syndrome. Last evaluated: 2017-08-22. Review status: no assertion criteria provided. Collection method: clinical testing. Allele origin: germline. Not counted in ClinVar's aggregate classification.